The following is an entry in ClinVar:

ClinVar aggregate classification (germline): Benign. Review status: criteria provided, multiple submitters, no conflicts (2 of 4 stars). 7 submissions from 6 submitters: Benign (7). Last evaluated 2026-02-04.

Conditions:
Hydrops-lactic acidosis-sideroblastic anemia-multisystemic failure syndrome. Also called: Hydrops, lactic acidosis, and sideroblastic anemia. Identifiers: Orphanet 528091, MedGen C4310761, MONDO:0014869, OMIM 617021.
Perrault syndrome 4 (PRLTS4). Identifiers: Orphanet 2855, MedGen C3809105, MONDO:0014126, OMIM 615300.

Allele frequency attached by ClinVar (database versions not stated): ESP Exome Variant Server 0.47616; TOPMed 0.48829; 1000 Genomes Project 30x 0.49625; 1000 Genomes Project 0.50339; gnomAD 0.50630 and 0.51306; ExAC 0.60734; gnomAD exomes 0.62510 and 0.63395.
gnomAD v4.1: 955,949 of 1,539,344 alleles (62%); highest among the groups gnomAD compares: East Asian, 77%; 307,286 homozygotes.

Submissions (7):

Labcorp Genetics (formerly Invitae), Labcorp
Classification: Benign. Last evaluated: 2026-02-04. Review status: criteria provided, single submitter. Criteria: Invitae Variant Classification Sherloc (09022015). Collection method: clinical testing. Allele origin: germline.

Genome-Nilou Lab
Classification: Benign for Hydrops-lactic acidosis-sideroblastic anemia-multisystemic failure syndrome. Last evaluated: 2021-08-19. Review status: criteria provided, single submitter. Criteria: ACMG Guidelines, 2015. Collection method: clinical testing. Allele origin: germline. Affected: no.

Genome-Nilou Lab
Classification: Benign for Perrault syndrome 4. Last evaluated: 2021-08-19. Review status: criteria provided, single submitter. Criteria: ACMG Guidelines, 2015. Collection method: clinical testing. Allele origin: germline. Affected: no.

GeneDx
Classification: Benign. Last evaluated: 2015-12-02. Review status: criteria provided, single submitter. Criteria: GeneDx Variant Classification (06012015). Collection method: clinical testing. Allele origin: germline. Affected: yes.
Comment: This variant is considered likely benign or benign based on one or more of the following criteria: it is a conservative change, it occurs at a poorly conserved position in the protein, it is predicted to be benign by multiple in silico algorithms, and/or has population frequency not consistent with disease.

Laboratory for Molecular Medicine, Mass General Brigham Personalized Medicine
Classification: Benign. Last evaluated: 2014-11-24. Review status: criteria provided, single submitter. Criteria: LMM Criteria. Collection method: clinical testing. Allele origin: germline. Observed: 673 variant alleles.
Comment: 1760+12T>C in intron 15 of LARS2: This variant is not expected to have clinical significance because it is not located within the conserved splice consensus seq uence. It has been identified in 37.1% (3193/8600) of European American chromoso mes from a broad population by the NHLBI Exome Sequencing Project (.; dbSNP rs2306522).

Breakthrough Genomics
Classification: Benign. Review status: criteria provided, single submitter. Criteria: ACMG Guidelines, 2015. Collection method: not provided. Allele origin: germline. Inheritance: Autosomal recessive inheritance. Affected: yes.

PreventionGenetics, part of Exact Sciences
Classification: Benign. Review status: criteria provided, single submitter. Criteria: ACMG Guidelines, 2015. Collection method: clinical testing. Allele origin: germline.

NM_015340.4(LARS2):c.1760+12T>C

Genes: LARS2 (leucyl-tRNA synthetase 2, mitochondrial; plus strand), LARS2-AS1 (LARS2 antisense RNA 1; minus strand). Cytogenetic location: 3p21.31.
Variant type: single nucleotide variant.
Coding change: c.1760+12T>C on transcript NM_015340.4 (MANE Select); 12 bases into the intron after coding-DNA position 1760, T replaced by C.
Molecular consequence: intron variant.
Genome position (GRCh38, 1-based): chr3:45,500,591, T>C. VCF-style: chr3-45500591-T-C. GRCh37 (hg19) VCF-style: chr3-45542083-T-C.
Other names: c.1760+12T>C (NM_001368263.1).
Identifiers: ClinVar variation 226697 (VCV000226697.15), dbSNP rs2306522, ClinGen allele CA2349680.